The following is an entry in ClinVar:

NM_000135.4(FANCA):c.1408C>A (p.Leu470Met)

Gene: FANCA (FA complementation group A; minus strand). Cytogenetic location: 16q24.3.
Variant type: single nucleotide variant.
Coding change: c.1408C>A on transcript NM_000135.4 (MANE Select); coding-DNA position 1408, C replaced by A.
Protein change: p.Leu470Met; replaces leucine 470 with methionine.
Molecular consequence: missense variant.
Genome position (GRCh38, 1-based): chr16:89,784,916, G>T on the plus strand (C>A on the coding strand, the complement: FANCA is on the minus strand). VCF-style: chr16-89784916-G-T. GRCh37 (hg19) VCF-style: chr16-89851324-G-T.
Other names: c.1408C>A, p.Leu470Met (NM_001286167.3); c.1408C>A (NM_000135.2); short protein forms L470M.
Identifiers: ClinVar variation 1016193 (VCV001016193.11), dbSNP rs752092543, ClinGen allele CA397459960.
Genomic context (GRCh38, chr16:89,784,916, plus strand): 5'-GCAGGTACCGGGGAGACTCAAAAGGCACGAGTTCTGACAAGAACGTAAACAGGAAGACCA[G>T]GGCCTTCTTGCTGCAGCCATGGTAGCCTCGTGTGCTCCCAAAGGAGGCCTGTGTGGAGAG-3'
Protein context (NP_000126.2, residues 460-480): RGYHGCSKKA[Leu470Met]VFLFTFLSEL

ClinVar aggregate classification (germline): Uncertain significance. Review status: criteria provided, multiple submitters, no conflicts (2 of 4 stars). 3 submissions from 3 submitters: Uncertain significance (3). Last evaluated 2025-06-23.

Conditions:
Inborn genetic diseases. Identifiers: MedGen C0950123, MeSH D030342.
Fanconi anemia complementation group A (FANCA). Also called: Fanconi anemia, group A; FANCA-Related Fanconi Anemia. Identifiers: Orphanet 84, MedGen C3469521, MONDO:0009215, OMIM 227650.
Fanconi anemia (FA). Also called: Fanconi's anemia. Identifiers: Orphanet 84, MedGen C0015625, MeSH D005199, MONDO:0019391.

gnomAD v4.1: 2 of 1,614,060 alleles (0.00012%); highest among the groups gnomAD compares: African/African-American, 0.0027%; no homozygotes.

Submissions (3):

Revvity Omics, Revvity
Classification: Uncertain significance for Fanconi anemia complementation group A. Last evaluated: 2025-06-23. Review status: criteria provided, single submitter. Criteria: ACMG Guidelines, 2015. Collection method: clinical testing. Allele origin: germline.

Ambry Genetics
Classification: Uncertain significance for Inborn genetic diseases. Last evaluated: 2025-06-14. Review status: criteria provided, single submitter. Criteria: Ambry Variant Classification Scheme 2023. Collection method: clinical testing. Allele origin: germline.
Comment: The p.L470M variant (also known as c.1408C>A), located in coding exon 15 of the FANCA gene, results from a C to A substitution at nucleotide position 1408. The leucine at codon 470 is replaced by methionine, an amino acid with highly similar properties. This amino acid position is conserved. In addition, the in silico prediction for this alteration is inconclusive. Based on the available evidence, the clinical significance of this variant remains unclear.

Labcorp Genetics (formerly Invitae), Labcorp
Classification: Uncertain significance for Fanconi anemia. Last evaluated: 2024-09-30. Review status: criteria provided, single submitter. Criteria: Invitae Variant Classification Sherloc (09022015). Collection method: clinical testing. Allele origin: germline.
Comment: This sequence change replaces leucine, which is neutral and non-polar, with methionine, which is neutral and non-polar, at codon 470 of the FANCA protein (p.Leu470Met). This variant is present in population databases (no rsID available, gnomAD 0.01%). This variant has not been reported in the literature in individuals affected with FANCA-related conditions. ClinVar contains an entry for this variant (Variation ID: 1016193). Invitae Evidence Modeling of protein sequence and biophysical properties (such as structural, functional, and spatial information, amino acid conservation, physicochemical variation, residue mobility, and thermodynamic stability) indicates that this missense variant is expected to disrupt FANCA protein function with a positive predictive value of 80%. In summary, the available evidence is currently insufficient to determine the role of this variant in disease. Therefore, it has been classified as a Variant of Uncertain Significance.